The following is an entry in ClinVar:

NM_000158.4(GBE1):c.1443delinsCGC (p.Gln482fs)

Gene: GBE1 (1,4-alpha-glucan branching enzyme 1; minus strand). Cytogenetic location: 3p12.2.
Variant type: Indel.
Coding change: c.1443delinsCGC on transcript NM_000158.4 (MANE Select); coding-DNA position 1443, T replaced by CGC.
Protein change: p.Gln482fs; shifts the reading frame from glutamine 482.
Molecular consequence: frameshift variant.
Genome position (GRCh38, 1-based): chr3:81,581,168, A replaced by GCG on the plus strand (T replaced by CGC on the coding strand, the reverse complement: GBE1 is on the minus strand). VCF-style: chr3-81581168-A-GCG. GRCh37 (hg19) VCF-style: chr3-81630319-A-GCG.
Other names: short protein forms Q482fs.
Identifiers: ClinVar variation 2675860 (VCV002675860.2), dbSNP rs2471727144, ClinGen allele CA2695197945.
Genomic context (GRCh38, chr3:81,581,168, plus strand): 5'-GGGAAGGAGGAAGAGAGAGAGAGAGAAATAAATGAATTTATGCACATATTCATTTACCTG[A>GCG]TCATGGCTCTCTGCATAAGCAATGCACTTTTCAAGGTAGCGCCTGTTTGTGAGCGTGTAT-3'

ClinVar aggregate classification (germline): Pathogenic/Likely pathogenic. Review status: criteria provided, multiple submitters, no conflicts (2 of 4 stars). 2 submissions from 2 submitters: Pathogenic (1); Likely pathogenic (1). Last evaluated 2024-05-14.

Conditions:
Glycogen storage disease, type IV (GSD4). Also called: AMYLOPECTINOSIS; ANDERSEN DISEASE; BRANCHER DEFICIENCY; CIRRHOSIS, FAMILIAL, WITH DEPOSITION OF ABNORMAL GLYCOGEN; GBE1 DEFICIENCY; GLYCOGEN BRANCHING ENZYME DEFICIENCY. Identifiers: Orphanet 367, MedGen C0017923, MONDO:0009292, OMIM 232500.

Submissions (2):

Myriad Genetics, Inc.
Classification: Pathogenic for Glycogen storage disease, type IV. Last evaluated: 2024-05-14. Review status: criteria provided, single submitter. Criteria: Myriad Autosomal Dominant, Autosomal Recessive and X-Linked Classification Criteria (2023). Collection method: clinical testing. Allele origin: unknown.
Comment: NM_000158.3(GBE1):c.1443delTinsCGC(Q482Afs*14) is expected to be pathogenic in the context of glycogen storage disease, GBE1-related. This variant is predicted to lead to an abnormal or absent protein product due to the creation of a premature termination codon in GBE1, a gene where loss-of-function variants are known to be pathogenic. Please note: this variant was assessed in the context of healthy population screening.

Baylor Genetics
Classification: Likely pathogenic for Glycogen storage disease, type IV. Last evaluated: 2023-04-10. Review status: criteria provided, single submitter. Criteria: ACMG Guidelines, 2015. Collection method: clinical testing. Allele origin: unknown.